The following is an entry in ClinVar:

ClinVar aggregate classification (germline): Uncertain significance (1 of 4 stars; one submission).

Conditions:
Tuberous sclerosis 1 (TSC1). Identifiers: Orphanet 805, MedGen C1854465, MONDO:0008612, OMIM 191100.

Submission:

Labcorp Genetics (formerly Invitae), Labcorp
Classification: Uncertain significance for Tuberous sclerosis 1. Last evaluated: 2024-05-14. Review status: criteria provided, single submitter. Criteria: Invitae Variant Classification Sherloc (09022015). Collection method: clinical testing. Allele origin: germline.
Comment: This sequence change replaces proline, which is neutral and non-polar, with threonine, which is neutral and polar, at codon 327 of the TSC1 protein (p.Pro327Thr). This variant is not present in population databases (gnomAD no frequency). This variant has not been reported in the literature in individuals affected with TSC1-related conditions. Advanced modeling of protein sequence and biophysical properties (such as structural, functional, and spatial information, amino acid conservation, physicochemical variation, residue mobility, and thermodynamic stability) performed at Invitae indicates that this missense variant is not expected to disrupt TSC1 protein function with a negative predictive value of 95%. In summary, the available evidence is currently insufficient to determine the role of this variant in disease. Therefore, it has been classified as a Variant of Uncertain Significance.

NM_000368.5(TSC1):c.979C>A (p.Pro327Thr)

Gene: TSC1 (TSC complex subunit 1; minus strand). Cytogenetic location: 9q34.13.
Variant type: single nucleotide variant.
Coding change: c.979C>A on transcript NM_000368.5 (MANE Select); coding-DNA position 979, C replaced by A.
Protein change: p.Pro327Thr; replaces proline 327 with threonine.
Molecular consequence: missense variant. On other transcripts: 5 prime UTR variant (2), non-coding transcript variant (5).
Genome position (GRCh38, 1-based): chr9:132,911,503, G>T on the plus strand (C>A on the coding strand, the complement: TSC1 is on the minus strand). VCF-style: chr9-132911503-G-T. GRCh37 (hg19) VCF-style: chr9-135786890-G-T.
Other names: c.979C>A, p.Pro327Thr (NM_001406609.1, NM_001162426.2, NM_001406592.1 and 16 more transcripts); c.826C>A, p.Pro276Thr (NM_001406610.1, NM_001406611.1, NM_001406612.1 and 2 more transcripts); c.616C>A, p.Pro206Thr (NM_001406614.1, NM_001406615.1, NM_001406616.1 and 10 more transcripts); c.28C>A, p.Pro10Thr (NM_001406626.1, NM_001406627.1, NM_001406628.1); c.-115C>A (NM_001406629.1, NM_001406630.1); short protein forms P276T, P327T, P10T, P206T.
Identifiers: ClinVar variation 3653293 (VCV003653293.2).